The following is an entry in ClinVar:

NM_001256545.2(MEGF10):c.1785T>C (p.Pro595=)

Gene: MEGF10 (multiple EGF like domains 10; plus strand). Cytogenetic location: 5q23.2.
Variant type: single nucleotide variant.
Coding change: c.1785T>C on transcript NM_001256545.2 (MANE Select); coding-DNA position 1785, T replaced by C.
Protein change: p.Pro595=; no amino-acid change (proline 595 retained).
Molecular consequence: synonymous variant.
Genome position (GRCh38, 1-based): chr5:127,433,454, T>C. VCF-style: chr5-127433454-T-C. GRCh37 (hg19) VCF-style: chr5-126769146-T-C.
Other names: p.Pro595=; c.1785T>C, p.Pro595= (NM_032446.3).
Identifiers: ClinVar variation 262065 (VCV000262065.25), dbSNP rs11950427, ClinGen allele CA3391720.

ClinVar aggregate classification (germline): Benign. Review status: criteria provided, multiple submitters, no conflicts (2 of 4 stars). 7 submissions from 7 submitters: Benign (7). Last evaluated 2026-02-02.

Conditions:
MEGF10-related myopathy (CMYO10A). Also called: Congenital myopathy 10A, severe variant. Identifiers: Orphanet 439212, MedGen C3280679, MONDO:0013731, OMIM 614399.

Allele frequency attached by ClinVar (database versions not stated): gnomAD exomes 0.15449 and 0.15491; ExAC 0.16239; TOPMed 0.18872; 1000 Genomes Project 0.19149; 1000 Genomes Project 30x 0.19160; gnomAD 0.19298 and 0.19610; ESP Exome Variant Server 0.19652.
gnomAD v4.1: 254,880 of 1,613,632 alleles (16%); highest among the groups gnomAD compares: African/African-American, 30%; 21,474 homozygotes.

Submissions (7):

Labcorp Genetics (formerly Invitae), Labcorp
Classification: Benign for MEGF10-related myopathy. Last evaluated: 2026-02-02. Review status: criteria provided, single submitter. Criteria: Invitae Variant Classification Sherloc (09022015). Collection method: clinical testing. Allele origin: germline.

Blueprint Genetics
Classification: Benign. Last evaluated: 2024-11-26. Review status: criteria provided, single submitter. Criteria: ACMG Guidelines, 2015. Collection method: clinical testing. Allele origin: germline.

Illumina Laboratory Services, Illumina
Classification: Benign for MEGF10-related myopathy. Last evaluated: 2018-01-13. Review status: criteria provided, single submitter. Criteria: ICSL Variant Classification Criteria 13 December 2019. Collection method: clinical testing. Allele origin: germline.
Comment: This variant was observed in the ICSL laboratory as part of a predisposition screen in an ostensibly healthy population. It had not been previously curated by ICSL or reported in the Human Gene Mutation Database (HGMD: prior to June 1st, 2018), and was therefore a candidate for classification through an automated scoring system. Utilizing variant allele frequency, disease prevalence and penetrance estimates, and inheritance mode, an automated score was calculated to assess if this variant is too frequent to cause the disease. Based on the score and internal cut-off values, a variant classified as benign is not then subjected to further curation. The score for this variant resulted in a classification of benign for this disease.

Mayo Clinic Laboratories, Mayo Clinic
Classification: Benign. Last evaluated: 2017-07-25. Review status: criteria provided, single submitter. Criteria: ACMG Guidelines, 2015. Collection method: clinical testing. Allele origin: germline. Observed: 125 variant alleles.

Laboratory for Molecular Medicine, Mass General Brigham Personalized Medicine
Classification: Benign. Last evaluated: 2016-03-29. Review status: criteria provided, single submitter. Criteria: LMM Criteria. Collection method: clinical testing. Allele origin: germline.
Comment: Variant identified in a genome or exome case(s) and assessed due to predicted null impact of the variant or pathogenic assertions in the literature or databases. Disclaimer: This variant has not undergone full assessment. The following are preliminary notes: 16% of total chromosomes in ExAC

GeneDx
Classification: Benign. Last evaluated: 2016-01-29. Review status: criteria provided, single submitter. Criteria: GeneDx Variant Classification (06012015). Collection method: clinical testing. Allele origin: germline. Affected: yes.
Comment: This variant is considered likely benign or benign based on one or more of the following criteria: it is a conservative change, it occurs at a poorly conserved position in the protein, it is predicted to be benign by multiple in silico algorithms, and/or has population frequency not consistent with disease.

PreventionGenetics, part of Exact Sciences
Classification: Benign. Review status: criteria provided, single submitter. Criteria: ACMG Guidelines, 2015. Collection method: clinical testing. Allele origin: germline.